The following is an entry in ClinVar:

ClinVar aggregate classification (germline): Likely benign. Review status: criteria provided, multiple submitters, no conflicts (2 of 4 stars). 2 submissions from 2 submitters: Likely benign (2). Last evaluated 2026-01-19.

Conditions:
Distal hereditary motor neuropathy type 2. Identifiers: Orphanet 139525, MedGen C3711384, MeSH C580044, MONDO:0015352.

Allele frequency attached by ClinVar (database versions not stated): gnomAD exomes 0.00008 and 0.00009; ExAC 0.00009; TOPMed 0.00012; gnomAD 0.00016 and 0.00017; ESP Exome Variant Server 0.00023.
gnomAD v4.1: 150 of 1,613,694 alleles (0.0093%); highest among the groups gnomAD compares: Admixed American, 0.038%; no homozygotes.

Submissions (2):

Labcorp Genetics (formerly Invitae), Labcorp
Classification: Likely benign for Distal hereditary motor neuropathy type 2. Last evaluated: 2026-01-19. Review status: criteria provided, single submitter. Criteria: Invitae Variant Classification Sherloc (09022015). Collection method: clinical testing. Allele origin: germline.

Women's Health and Genetics/Laboratory Corporation of America, LabCorp
Classification: Likely benign. Last evaluated: 2026-01-05. Review status: criteria provided, single submitter. Criteria: LabCorp Variant Classification Summary - May 2015. Collection method: clinical testing. Allele origin: germline.
Comment: Variant summary: FBXO38 c.2678C>G (p.Pro893Arg) results in a non-conservative amino acid change in the encoded protein sequence. Algorithms developed to predict the effect of missense changes on protein structure and function are either unavailable or do not agree on the potential impact of this missense change. The variant allele was found at a frequency of 8e-05 in 251174 control chromosomes. The observed variant frequency exceeds the estimated maximal expected allele frequency for disease-causing variants in FBXO38. To our knowledge, no occurrence of c.2678C>G in individuals affected with FBXO38-related conditions and no experimental evidence demonstrating its impact on protein function have been reported. ClinVar contains an entry for this variant (Variation ID: 541005). Based on the evidence outlined above, the variant was classified as likely benign.

NM_205836.3(FBXO38):c.2903C>G (p.Pro968Arg)

Gene: FBXO38 (F-box protein 38; plus strand). Cytogenetic location: 5q32.
Variant type: single nucleotide variant.
Coding change: c.2903C>G on transcript NM_205836.3 (MANE Select); coding-DNA position 2903, C replaced by G.
Protein change: p.Pro968Arg; replaces proline 968 with arginine.
Molecular consequence: missense variant.
Genome position (GRCh38, 1-based): chr5:148,438,377, C>G. VCF-style: chr5-148438377-C-G. GRCh37 (hg19) VCF-style: chr5-147817940-C-G.
Other names: c.2168C>G, p.Pro723Arg (NM_001271723.2); c.2678C>G, p.Pro893Arg (NM_030793.5); short protein forms P723R, P893R, P968R.
Identifiers: ClinVar variation 541005 (VCV000541005.14), dbSNP rs141168806, ClinGen allele CA3497628.